The following is an entry in ClinVar:

ClinVar aggregate classification (germline): Uncertain significance (1 of 4 stars; one submission).

gnomAD v4.1: 19 of 1,613,772 alleles (0.0012%); highest among the groups gnomAD compares: African/African-American, 0.0067%; no homozygotes.

Submission:

GeneDx
Classification: Uncertain significance. Last evaluated: 2025-01-31. Review status: criteria provided, single submitter. Criteria: GeneDx Variant Classification Process June 2021. Collection method: clinical testing. Allele origin: germline. Affected: yes.
Comment: Reported using an alternate transcript of the gene; Canonical splice site variant predicted to result in an in-frame loss of the adjacent exon in a gene for which loss of function is a known mechanism of disease; Has not been previously published in association with a PDGFB-related disorder to our knowledge; This variant is associated with the following publications: (PMID: 36905328)

NM_002608.4(PDGFB):c.63+3047G>A

Gene: PDGFB (platelet derived growth factor subunit B; minus strand). Cytogenetic location: 22q13.1.
Variant type: single nucleotide variant.
Coding change: c.63+3047G>A on transcript NM_002608.4 (MANE Select); 3047 bases into the intron after coding-DNA position 63, G replaced by A.
Molecular consequence: intron variant. On other transcripts: splice donor variant (1).
Genome position (GRCh38, 1-based): chr22:39,240,854, C>T on the plus strand (G>A on the coding strand, the complement: PDGFB is on the minus strand). VCF-style: chr22-39240854-C-T. GRCh37 (hg19) VCF-style: chr22-39636859-C-T.
Other names: c.18+1G>A (NM_033016.3).
Identifiers: ClinVar variation 4072460 (VCV004072460.1).